The following is an entry in ClinVar:

ClinVar aggregate classification (germline): Likely benign (1 of 4 stars; one submission).

Allele frequency attached by ClinVar (database versions not stated): gnomAD 0.00722 and 0.00777; TOPMed 0.00835; 1000 Genomes Project 0.00839; 1000 Genomes Project 30x 0.00937.
gnomAD v4.1: 1,090 of 152,134 alleles (0.72%); highest among the groups gnomAD compares: African/African-American, 2.5%; 17 homozygotes.

Submission:

GeneDx
Classification: Likely benign. Last evaluated: 2018-06-14. Review status: criteria provided, single submitter. Criteria: GeneDx Variant Classification (06012015). Collection method: clinical testing. Allele origin: germline. Affected: yes.
Comment: This variant is considered likely benign or benign based on one or more of the following criteria: it is a conservative change, it occurs at a poorly conserved position in the protein, it is predicted to be benign by multiple in silico algorithms, and/or has population frequency not consistent with disease.

NM_001267550.2(TTN):c.11311+860A>G

Gene: TTN (titin; minus strand). Cytogenetic location: 2q31.2.
Variant type: single nucleotide variant.
Coding change: c.11311+860A>G on transcript NM_001267550.2 (MANE Select); 860 bases into the intron after coding-DNA position 11311, A replaced by G.
Molecular consequence: intron variant.
Genome position (GRCh38, 1-based): chr2:178,752,264, T>C on the plus strand (A>G on the coding strand, the complement: TTN is on the minus strand). VCF-style: chr2-178752264-T-C. GRCh37 (hg19) VCF-style: chr2-179616991-T-C.
Other names: c.10360+860A>G (NM_001256850.1, NM_133378.4); c.10222+860A>G (NM_003319.4); c.10798+860A>G (NM_133437.4); c.10597+860A>G (NM_133432.3); c.10361-225A>G (NM_133379.5).
Identifiers: ClinVar variation 677634 (VCV000677634.1), dbSNP rs139408817, ClinGen allele CA60991714.
Genomic context (GRCh38, chr2:178,752,264, plus strand): 5'-CTCTGTTTAAAAGATTCTGACACGAAAATCGTTCGTTGTCTGGTCTTTTCTTCAAACTGT[T>C]GAAATTTCTTCTTGAACAAGCAAAAATGCATTTCAAAATAACATGTTCCTGTGCATATTT-3'